The following is an entry in ClinVar:

ClinVar aggregate classification (germline): Uncertain significance (1 of 4 stars; one submission).

Conditions:
Inborn genetic diseases. Identifiers: MedGen C0950123, MeSH D030342.

Allele frequency attached by ClinVar (database versions not stated): TOPMed below 0.00001.

Submission:

Ambry Genetics
Classification: Uncertain significance for Inborn genetic diseases. Last evaluated: 2022-04-11. Review status: criteria provided, single submitter. Criteria: Ambry Variant Classification Scheme 2023. Collection method: clinical testing. Allele origin: germline.
Comment: The p.A58S variant (also known as c.172G>T), located in coding exon 2 of the AKT1 gene, results from a G to T substitution at nucleotide position 172. The alanine at codon 58 is replaced by serine, an amino acid with similar properties. This amino acid position is conserved. In addition, this alteration is predicted to be tolerated by in silico analysis. Since supporting evidence is limited at this time, the clinical significance of this alteration remains unclear.

NM_001382430.1(AKT1):c.172G>T (p.Ala58Ser)

Gene: AKT1 (AKT serine/threonine kinase 1; minus strand). Cytogenetic location: 14q32.33.
Variant type: single nucleotide variant.
Coding change: c.172G>T on transcript NM_001382430.1 (MANE Select); coding-DNA position 172, G replaced by T.
Protein change: p.Ala58Ser; replaces alanine 58 with serine.
Molecular consequence: missense variant.
Genome position (GRCh38, 1-based): chr14:104,780,091, C>A on the plus strand (G>T on the coding strand, the complement: AKT1 is on the minus strand). VCF-style: chr14-104780091-C-A. GRCh37 (hg19) VCF-style: chr14-105246428-C-A.
Other names: c.172G>T, p.Ala58Ser (NM_001014431.2, NM_001014432.2, NM_001382431.1 and 3 more transcripts); short protein forms A58S.
Identifiers: ClinVar variation 1778960 (VCV001778960.2), dbSNP rs1892948718, ClinGen allele CA391221376.